The following is an entry in ClinVar:

ClinVar aggregate classification (germline): Pathogenic (1 of 4 stars; one submission).

Submission:

Labcorp Genetics (formerly Invitae), Labcorp
Classification: Pathogenic. Last evaluated: 2024-03-29. Review status: criteria provided, single submitter. Criteria: Invitae Variant Classification Sherloc (09022015). Collection method: clinical testing. Allele origin: germline.
Comment: This sequence change creates a premature translational stop signal (p.Tyr33Leufs*36) in the DDX41 gene. It is expected to result in an absent or disrupted protein product. Loss-of-function variants in DDX41 are known to be pathogenic (PMID: 26712909, 27133828). This variant is not present in population databases (gnomAD no frequency). This variant has not been reported in the literature in individuals affected with DDX41-related conditions. For these reasons, this variant has been classified as Pathogenic.

Literature cited by the submitters: PubMed 26712909; PubMed 27133828.

NM_016222.4(DDX41):c.97dup (p.Tyr33fs)

Gene: DDX41 (DEAD-box helicase 41; minus strand). Cytogenetic location: 5q35.3.
Variant type: Duplication.
Coding change: c.97dup on transcript NM_016222.4 (MANE Select); coding-DNA position 97, one base duplicated (T; older notation c.97dupT).
Protein change: p.Tyr33fs; shifts the reading frame from tyrosine 33.
Molecular consequence: frameshift variant. On other transcripts: 5 prime UTR variant (2).
Genome position (GRCh38, 1-based): chr5:177,516,766, A duplicated on the plus strand (T on the coding strand, the reverse complement: DDX41 is on the minus strand). VCF-style (leftmost placement, unchanged base first): chr5-177516765-T-TA. GRCh37 (hg19) VCF-style: chr5-176943766-T-TA.
Other names: c.-559dup (NM_001321732.2); c.-351dup (NM_001321830.2); short protein forms Y33fs.
Identifiers: ClinVar variation 3641529 (VCV003641529.2).